The following is an entry in ClinVar:

NM_017617.5(NOTCH1):c.961T>C (p.Cys321Arg)

Gene: NOTCH1 (notch receptor 1; minus strand). Cytogenetic location: 9q34.3.
Variant type: single nucleotide variant.
Coding change: c.961T>C on transcript NM_017617.5 (MANE Select); coding-DNA position 961, T replaced by C.
Protein change: p.Cys321Arg; replaces cysteine 321 with arginine.
Molecular consequence: missense variant.
Genome position (GRCh38, 1-based): chr9:136,518,729, A>G on the plus strand (T>C on the coding strand, the complement: NOTCH1 is on the minus strand). VCF-style: chr9-136518729-A-G. GRCh37 (hg19) VCF-style: chr9-139413181-A-G.
Other names: short protein forms C321R.
Identifiers: ClinVar variation 841614 (VCV000841614.1), dbSNP rs1843318767, ClinGen allele CA375565533.

ClinVar aggregate classification (germline): Uncertain significance (1 of 4 stars; one submission).

Conditions:
Adams-Oliver syndrome 5 (AOS5). Identifiers: Orphanet 974, MedGen C4014970, MONDO:0014459, OMIM 616028.

Submission:

Labcorp Genetics (formerly Invitae), Labcorp
Classification: Uncertain significance for Adams-Oliver syndrome 5. Last evaluated: 2019-05-13. Review status: criteria provided, single submitter. Criteria: Invitae Variant Classification Sherloc (09022015). Collection method: clinical testing. Allele origin: germline.
Comment: This sequence change replaces cysteine with arginine at codon 321 of the NOTCH1 protein (p.Cys321Arg). The cysteine residue is highly conserved and there is a large physicochemical difference between cysteine and arginine. This variant is not present in population databases (ExAC no frequency). This variant has not been reported in the literature in individuals with NOTCH1-related conditions. Algorithms developed to predict the effect of missense changes on protein structure and function (SIFT, PolyPhen-2, Align-GVGD) all suggest that this variant is likely to be disruptive, but these predictions have not been confirmed by published functional studies and their clinical significance is uncertain. In summary, the available evidence is currently insufficient to determine the role of this variant in disease. Therefore, it has been classified as a Variant of Uncertain Significance.